The following is an entry in ClinVar:

ClinVar aggregate classification (germline): Uncertain significance (1 of 4 stars; one submission).

gnomAD v4.1: 2 of 1,614,068 alleles (0.00012%); highest among the groups gnomAD compares: Non-Finnish European, 0.00017%; no homozygotes.

Submission:

GeneDx
Classification: Uncertain significance. Last evaluated: 2026-03-20. Review status: criteria provided, single submitter. Criteria: GeneDx Variant Classification Process June 2021. Collection method: clinical testing. Allele origin: germline.
Comment: Not observed at significant frequency in large population cohorts (gnomAD); In silico analysis supports that this missense variant has a deleterious effect on protein structure/function; Has not been previously published as pathogenic or benign to our knowledge

NM_001089.3(ABCA3):c.1061C>T (p.Ala354Val)

Gene: ABCA3 (ATP binding cassette subfamily A member 3; minus strand). Cytogenetic location: 16p13.3.
Variant type: single nucleotide variant.
Coding change: c.1061C>T on transcript NM_001089.3 (MANE Select); coding-DNA position 1061, C replaced by T.
Protein change: p.Ala354Val; replaces alanine 354 with valine.
Molecular consequence: missense variant.
Genome position (GRCh38, 1-based): chr16:2,317,333, G>A on the plus strand (C>T on the coding strand, the complement: ABCA3 is on the minus strand). VCF-style: chr16-2317333-G-A. GRCh37 (hg19) VCF-style: chr16-2367334-G-A.
Other names: short protein forms A354V.
Identifiers: ClinVar variation 5009479 (VCV005009479.1).